The following is an entry in ClinVar:

NM_001004356.3(FGFRL1):c.739G>A (p.Val247Met)

Gene: FGFRL1 (fibroblast growth factor receptor like 1; plus strand). Cytogenetic location: 4p16.3.
Variant type: single nucleotide variant.
Coding change: c.739G>A on transcript NM_001004356.3 (MANE Select); coding-DNA position 739, G replaced by A.
Protein change: p.Val247Met; replaces valine 247 with methionine.
Molecular consequence: missense variant.
Genome position (GRCh38, 1-based): chr4:1,024,331, G>A. VCF-style: chr4-1024331-G-A. GRCh37 (hg19) VCF-style: chr4-1018119-G-A.
Other names: c.739G>A, p.Val247Met (NM_001004358.1, NM_001370296.1, NM_021923.3); short protein forms V247M.
Identifiers: ClinVar variation 4742838 (VCV004742838.1).

ClinVar aggregate classification (germline): Uncertain significance (1 of 4 stars; one submission).

gnomAD v4.1: 91 of 1,606,238 alleles (0.0057%); highest among the groups gnomAD compares: Non-Finnish European, 0.0073%; no homozygotes.

Submission:

Labcorp Genetics (formerly Invitae), Labcorp
Classification: Uncertain significance. Last evaluated: 2025-10-01. Review status: criteria provided, single submitter. Criteria: Invitae Variant Classification Sherloc (09022015). Collection method: clinical testing. Allele origin: germline.
Comment: This sequence change replaces valine, which is neutral and non-polar, with methionine, which is neutral and non-polar, at codon 247 of the FGFRL1 protein (p.Val247Met). This variant is present in population databases (rs368039756, gnomAD 0.01%). This variant has not been reported in the literature in individuals affected with FGFRL1-related conditions. An algorithm developed to predict the effect of missense changes on protein structure and function (PolyPhen-2) suggests that this variant is likely to be disruptive. In summary, the available evidence is currently insufficient to determine the role of this variant in disease. Therefore, it has been classified as a Variant of Uncertain Significance.